The following is an entry in ClinVar:

NM_001372051.1(CASP8):c.815C>A (p.Thr272Lys)

Gene: CASP8 (caspase 8; plus strand). Cytogenetic location: 2q33.1.
Variant type: single nucleotide variant.
Coding change: c.815C>A on transcript NM_001372051.1 (MANE Select); coding-DNA position 815, C replaced by A.
Protein change: p.Thr272Lys; replaces threonine 272 with lysine.
Molecular consequence: missense variant. On other transcripts: non-coding transcript variant (22), intron variant (1).
Genome position (GRCh38, 1-based): chr2:201,284,828, C>A. VCF-style: chr2-201284828-C-A. GRCh37 (hg19) VCF-style: chr2-202149551-C-A.
Other names: c.770C>A, p.Thr257Lys (NM_001080124.2, NM_001400658.1, NM_001400659.1 and 5 more transcripts); c.992C>A, p.Thr331Lys (NM_001080125.2); c.866C>A, p.Thr289Lys (NM_001228.5); c.947C>A, p.Thr316Lys (NM_001400642.1); c.848C>A, p.Thr283Lys (NM_001400645.1); c.815C>A, p.Thr272Lys (NM_001400648.1, NM_001400651.1, NM_001400653.1 and 5 more transcripts); c.746C>A, p.Thr249Lys (NM_001400664.1); c.740C>A, p.Thr247Lys (NM_001400665.1); and 7 more; short protein forms T257K, T289K, T331K, T58K, T67K, T169K, T188K, T203K.
Identifiers: ClinVar variation 1974499 (VCV001974499.2), dbSNP rs139337151, ClinGen allele CA350298354.

ClinVar aggregate classification (germline): Uncertain significance (1 of 4 stars; one submission).

Conditions:
Autoimmune lymphoproliferative syndrome type 2B. Also called: AUTOIMMUNE LYMPHOPROLIFERATIVE SYNDROME, TYPE IIB. Identifiers: Orphanet 275517, MedGen C1846545, MONDO:0011804, OMIM 607271.

gnomAD v4.1: 4 of 1,613,530 alleles (0.00025%); highest among the groups gnomAD compares: Non-Finnish European, 0.00034%; no homozygotes.

Submission:

Labcorp Genetics (formerly Invitae), Labcorp
Classification: Uncertain significance for Autoimmune lymphoproliferative syndrome type 2B. Last evaluated: 2022-05-06. Review status: criteria provided, single submitter. Criteria: Invitae Variant Classification Sherloc (09022015). Collection method: clinical testing. Allele origin: germline.
Comment: This sequence change replaces threonine, which is neutral and polar, with lysine, which is basic and polar, at codon 289 of the CASP8 protein (p.Thr289Lys). This variant is not present in population databases (gnomAD no frequency). This variant has not been reported in the literature in individuals affected with CASP8-related conditions. Algorithms developed to predict the effect of missense changes on protein structure and function output the following: SIFT: "Tolerated"; PolyPhen-2: "Benign"; Align-GVGD: "Class C0". The lysine amino acid residue is found in multiple mammalian species, which suggests that this missense change does not adversely affect protein function. In summary, the available evidence is currently insufficient to determine the role of this variant in disease. Therefore, it has been classified as a Variant of Uncertain Significance.